The following is an entry in ClinVar:

NM_012106.4(ARL2BP):c.38+5G>A

Gene: ARL2BP (ARF like GTPase 2 binding protein; plus strand). Cytogenetic location: 16q13.
Variant type: single nucleotide variant.
Coding change: c.38+5G>A on transcript NM_012106.4 (MANE Select); 5 bases into the intron after coding-DNA position 38, G replaced by A.
Molecular consequence: intron variant.
Genome position (GRCh38, 1-based): chr16:57,245,410, G>A. VCF-style: chr16-57245410-G-A. GRCh37 (hg19) VCF-style: chr16-57279322-G-A.
Identifiers: ClinVar variation 4292845 (VCV004292845.1).

ClinVar aggregate classification (germline): Uncertain significance (1 of 4 stars; one submission).

Conditions:
Retinitis pigmentosa with or without situs inversus. Also called: Retinitis pigmentosa 82; Retinitis pigmentosa 82 with or without situs inversus. Identifiers: Orphanet 791, MedGen C4747737, MONDO:0014186, OMIM 615434.

Submission:

3billion
Classification: Uncertain significance for Retinitis pigmentosa with or without situs inversus. Last evaluated: 2024-07-05. Review status: criteria provided, single submitter. Criteria: ACMG Guidelines, 2015. Collection method: clinical testing. Allele origin: germline. Affected: yes.
Comment: The variant is observed at an extremely low frequency in the gnomAD v4.0.0 dataset (total allele frequency: <0.001%). Predicted Consequence/Location: Intron variant In silico tools predict the variant to alter splicing and produce an abnormal transcript [SpliceAI: 0.96 (>=0.2, moderate evidence for spliceogenicity)]. Therefore, this variant is classified as VUS according to the recommendation of ACMG/AMP guideline.